The following is an entry in ClinVar:

NM_021961.6(TEAD1):c.480G>A (p.Met160Ile)

Gene: TEAD1 (TEA domain transcription factor 1; plus strand). Cytogenetic location: 11p15.3.
Variant type: single nucleotide variant.
Coding change: c.480G>A on transcript NM_021961.6 (MANE Select); coding-DNA position 480, G replaced by A.
Protein change: p.Met160Ile; replaces methionine 160 with isoleucine.
Molecular consequence: missense variant.
Genome position (GRCh38, 1-based): chr11:12,881,019, G>A. VCF-style: chr11-12881019-G-A. GRCh37 (hg19) VCF-style: chr11-12902566-G-A.
Other names: short protein forms M160I.
Identifiers: ClinVar variation 3706933 (VCV003706933.2).

ClinVar aggregate classification (germline): Uncertain significance (1 of 4 stars; one submission).

Submission:

Labcorp Genetics (formerly Invitae), Labcorp
Classification: Uncertain significance. Last evaluated: 2024-12-26. Review status: criteria provided, single submitter. Criteria: Invitae Variant Classification Sherloc (09022015). Collection method: clinical testing. Allele origin: germline.
Comment: This sequence change replaces methionine, which is neutral and non-polar, with isoleucine, which is neutral and non-polar, at codon 160 of the TEAD1 protein (p.Met160Ile). This variant is not present in population databases (gnomAD no frequency). This variant has not been reported in the literature in individuals affected with TEAD1-related conditions. Invitae Evidence Modeling of protein sequence and biophysical properties (such as structural, functional, and spatial information, amino acid conservation, physicochemical variation, residue mobility, and thermodynamic stability) indicates that this missense variant is not expected to disrupt TEAD1 protein function with a negative predictive value of 80%. In summary, the available evidence is currently insufficient to determine the role of this variant in disease. Therefore, it has been classified as a Variant of Uncertain Significance.